The following is an entry in ClinVar:

NM_078470.6(COX15):c.90+8A>T

Genes: COX15 (cytochrome c oxidase assembly factor COX15; minus strand), LOC130004506 (ATAC-STARR-seq lymphoblastoid active region 3872; plus strand). Cytogenetic location: 10q24.2.
Variant type: single nucleotide variant.
Coding change: c.90+8A>T on transcript NM_078470.6 (MANE Select); 8 bases into the intron after coding-DNA position 90, A replaced by T.
Molecular consequence: intron variant.
Genome position (GRCh38, 1-based): chr10:99,731,952, T>A on the plus strand (A>T on the coding strand, the complement: COX15 is on the minus strand). VCF-style: chr10-99731952-T-A. GRCh37 (hg19) VCF-style: chr10-101491709-T-A.
Other names: c.90+8A>T (NM_001320974.2, NM_001372026.1, NM_001372028.1 and 5 more transcripts); c.-365+8A>T (NM_001320976.2).
Identifiers: ClinVar variation 509456 (VCV000509456.4), dbSNP rs558896964, ClinGen allele CA5642377.

ClinVar aggregate classification (germline): Likely benign. Review status: criteria provided, multiple submitters, no conflicts (2 of 4 stars). 2 submissions from 2 submitters: Likely benign (2). Last evaluated 2024-02-16.

Allele frequency attached by ClinVar (database versions not stated): gnomAD exomes below 0.00001; gnomAD 0.00001; ExAC 0.00002; 1000 Genomes Project 30x 0.00016; 1000 Genomes Project 0.00020.

Submissions (2):

Labcorp Genetics (formerly Invitae), Labcorp
Classification: Likely benign. Last evaluated: 2024-02-16. Review status: criteria provided, single submitter. Criteria: Invitae Variant Classification Sherloc (09022015). Collection method: clinical testing. Allele origin: germline.

GeneDx
Classification: Likely benign. Last evaluated: 2017-05-22. Review status: criteria provided, single submitter. Criteria: GeneDx Variant Classification (06012015). Collection method: clinical testing. Allele origin: germline. Affected: yes.
Comment: This variant is considered likely benign or benign based on one or more of the following criteria: it is a conservative change, it occurs at a poorly conserved position in the protein, it is predicted to be benign by multiple in silico algorithms, and/or has population frequency not consistent with disease.